The following is an entry in ClinVar:

NM_018297.4(NGLY1):c.582G>A (p.Ala194=)

Gene: NGLY1 (N-glycanase 1; minus strand). Cytogenetic location: 3p24.2.
Variant type: single nucleotide variant.
Coding change: c.582G>A on transcript NM_018297.4 (MANE Select); coding-DNA position 582, G replaced by A.
Protein change: p.Ala194=; no amino-acid change (alanine 194 retained).
Molecular consequence: synonymous variant.
Genome position (GRCh38, 1-based): chr3:25,751,174, C>T on the plus strand (G>A on the coding strand, the complement: NGLY1 is on the minus strand). VCF-style: chr3-25751174-C-T. GRCh37 (hg19) VCF-style: chr3-25792665-C-T.
Other names: c.582G>A, p.Ala194= (NM_001145293.2, NM_001145295.2); c.456G>A, p.Ala152= (NM_001145294.2).
Identifiers: ClinVar variation 383504 (VCV000383504.12), dbSNP rs373961978, ClinGen allele CA2289443.

ClinVar aggregate classification (germline): Likely benign. Review status: criteria provided, multiple submitters, no conflicts (2 of 4 stars). 3 submissions from 3 submitters: Likely benign (2). 1 of the submissions does not count toward it. Last evaluated 2026-01-28.

Conditions:
NGLY1-related disorder. Also called: NGLY1-related condition.
Congenital disorder of deglycosylation (CDDG). Identifiers: MedGen C3808991, MONDO:0031376.

Allele frequency attached by ClinVar (database versions not stated): gnomAD 0.00005 and 0.00007; gnomAD exomes 0.00005 and 0.00006; TOPMed 0.00005; ExAC 0.00007; 1000 Genomes Project 30x 0.00016; 1000 Genomes Project 0.00020; ESP Exome Variant Server 0.00023.
gnomAD v4.1: 82 of 1,613,612 alleles (0.0051%); highest among the groups gnomAD compares: Middle Eastern, 0.033%; no homozygotes.

Submissions (3):

Labcorp Genetics (formerly Invitae), Labcorp
Classification: Likely benign for Congenital disorder of deglycosylation. Last evaluated: 2026-01-28. Review status: criteria provided, single submitter. Criteria: Invitae Variant Classification Sherloc (09022015). Collection method: clinical testing. Allele origin: germline.

GeneDx
Classification: Likely benign. Last evaluated: 2020-03-19. Review status: criteria provided, single submitter. Criteria: GeneDx Variant Classification Process June 2021. Collection method: clinical testing. Allele origin: germline. Affected: yes.

PreventionGenetics, part of Exact Sciences
Classification: Likely benign for NGLY1-related condition. Last evaluated: 2020-01-03. Review status: no assertion criteria provided. Collection method: clinical testing. Allele origin: germline. Not counted in ClinVar's aggregate classification.
Comment: This variant is classified as likely benign based on ACMG/AMP sequence variant interpretation guidelines (Richards et al. 2015 PMID: 25741868, with internal and published modifications).